The following is an entry in ClinVar:

ClinVar aggregate classification (germline): Uncertain significance (1 of 4 stars; one submission).

Conditions:
Hereditary cancer-predisposing syndrome. Also called: Neoplastic Syndromes, Hereditary; Tumor predisposition; Hereditary neoplastic syndrome; Hereditary Cancer Syndrome. Identifiers: Orphanet 140162, MedGen C0027672, MeSH D009386, MONDO:0015356.

Submission:

Ambry Genetics
Classification: Uncertain significance for Hereditary cancer-predisposing syndrome. Last evaluated: 2026-07-20. Review status: criteria provided, single submitter. Criteria: Ambry Variant Classification Scheme 2023. Collection method: clinical testing. Allele origin: germline.
Comment: The p.T508P variant (also known as c.1522A>C), located in coding exon 11 of the SDHA gene, results from an A to C substitution at nucleotide position 1522. The threonine at codon 508 is replaced by proline, an amino acid with highly similar properties. This amino acid position is conserved. In addition, this alteration is predicted to be deleterious by in silico analysis. Based on the available evidence, the clinical significance of this variant remains unclear.

NM_004168.4(SDHA):c.1522A>C (p.Thr508Pro)

Gene: SDHA (succinate dehydrogenase complex flavoprotein subunit A; plus strand). Cytogenetic location: 5p15.33.
Variant type: single nucleotide variant.
Coding change: c.1522A>C on transcript NM_004168.4 (MANE Select); coding-DNA position 1522, A replaced by C.
Protein change: p.Thr508Pro; replaces threonine 508 with proline.
Molecular consequence: missense variant.
Genome position (GRCh38, 1-based): chr5:240,447, A>C. VCF-style: chr5-240447-A-C. GRCh37 (hg19) VCF-style: chr5-240562-A-C.
Other names: c.1378A>C, p.Thr460Pro (NM_001294332.2); c.1522A>C, p.Thr508Pro (NM_001330758.2); short protein forms T508P, T460P.
Identifiers: ClinVar variation 5029198 (VCV005029198.1).
Genomic context (GRCh38, chr5:240,447, plus strand): 5'-GCTGGGGAAGAATCTGTCATGAATCTTGACAAATTGAGATTTGCTGATGGAAGCATAAGA[A>C]CATCGGAACTGCGACTCAGCATGCAGAAGGTAAGAGCCTGGACTCGCTCTGGAGTGAGCA-3'
Protein context (NP_004159.2, residues 498-518): KLRFADGSIR[Thr508Pro]SELRLSMQKS